The following is an entry in ClinVar:

ClinVar aggregate classification (germline): Likely benign. Review status: criteria provided, multiple submitters, no conflicts (2 of 4 stars). 2 submissions from 2 submitters: Likely benign (2). Last evaluated 2018-06-16.

Allele frequency attached by ClinVar (database versions not stated): gnomAD exomes 0.02605; TOPMed 0.02995; gnomAD 0.03070 and 0.03101; 1000 Genomes Project 30x 0.03295; 1000 Genomes Project 0.03335.
gnomAD v4.1: 32,318 of 1,208,980 alleles (2.7%); highest among the groups gnomAD compares: South Asian, 6.2%; 640 homozygotes.

Submissions (2):

GeneDx
Classification: Likely benign. Last evaluated: 2018-06-16. Review status: criteria provided, single submitter. Criteria: GeneDx Variant Classification (06012015). Collection method: clinical testing. Allele origin: germline. Affected: yes.
Comment: This variant is considered likely benign or benign based on one or more of the following criteria: it is a conservative change, it occurs at a poorly conserved position in the protein, it is predicted to be benign by multiple in silico algorithms, and/or has population frequency not consistent with disease.

Breakthrough Genomics
Classification: Likely benign. Review status: criteria provided, single submitter. Criteria: ACMG Guidelines, 2015. Collection method: not provided. Allele origin: germline. Inheritance: Autosomal recessive inheritance. Affected: yes.

NM_002474.3(MYH11):c.2998-118A>G

Gene: MYH11 (myosin heavy chain 11; minus strand). Cytogenetic location: 16p13.11.
Variant type: single nucleotide variant.
Coding change: c.2998-118A>G on transcript NM_002474.3 (MANE Select); 118 bases into the intron before coding-DNA position 2998, A replaced by G.
Molecular consequence: intron variant.
Genome position (GRCh38, 1-based): chr16:15,738,806, T>C on the plus strand (A>G on the coding strand, the complement: MYH11 is on the minus strand). VCF-style: chr16-15738806-T-C. GRCh37 (hg19) VCF-style: chr16-15832663-T-C.
Other names: c.2998-118A>G (NM_022844.3); c.3019-118A>G (NM_001040114.2, NM_001040113.2).
Identifiers: ClinVar variation 671050 (VCV000671050.2), dbSNP rs74009417, ClinGen allele CA16519639.